The following is an entry in ClinVar:

NM_000419.5(ITGA2B):c.1186G>A (p.Asp396Asn)

Gene: ITGA2B (integrin subunit alpha 2b; minus strand). Cytogenetic location: 17q21.31.
Variant type: single nucleotide variant.
Coding change: c.1186G>A on transcript NM_000419.5 (MANE Select); coding-DNA position 1186, G replaced by A.
Protein change: p.Asp396Asn; replaces aspartic acid 396 with asparagine.
Molecular consequence: missense variant.
Genome position (GRCh38, 1-based): chr17:44,383,517, C>T on the plus strand (G>A on the coding strand, the complement: ITGA2B is on the minus strand). VCF-style: chr17-44383517-C-T. GRCh37 (hg19) VCF-style: chr17-42460885-C-T.
Other names: NM_000419.4:c.1186G>A; c.1186G>A (LRG_479t1); short protein forms D396N.
Identifiers: ClinVar variation 627218 (VCV000627218.8), dbSNP rs1214448436, ClinGen allele CA399804315.

ClinVar aggregate classification (germline): Pathogenic. Review status: reviewed by expert panel (3 of 4 stars). 3 submissions from 3 submitters: Pathogenic (1). 2 of the submissions do not count toward it. Last evaluated 2021-12-02.

Conditions:
Glanzmann thrombasthenia. Also called: BLEEDING DISORDER, PLATELET-TYPE, 2; THROMBASTHENIA OF GLANZMANN AND NAEGELI; Thrombasthenia; PLATELET GLYCOPROTEIN IIb-IIIa DEFICIENCY; Glanzmann's thrombasthenia. Identifiers: Orphanet 849, MedGen C0040015, MONDO:0100326.

Allele frequency attached by ClinVar (database versions not stated): gnomAD exomes 0.00001; TOPMed 0.00001.

Submissions (3):

ClinGen Platelet Disorders Variant Curation Expert Panel, ClinGen
Classification: Pathogenic for Glanzmann thrombasthenia. Last evaluated: 2021-12-02. Review status: reviewed by expert panel. Criteria: ClinGen Platelet ACMG Specifications v2-1. Collection method: curation. Allele origin: germline. Inheritance: Autosomal recessive inheritance.
Comment: The NM_000419.4:c.1186G>A variant that results in the missense change, Asp396Asn, is reported at a low frequency of 0.000066 in gnomAD (PM2_supporting). It is reported in three compound heterozygous (PMID: 25373348, 34267460, and 31064749) and one apparently homozygous (PMID: 19172520) probands (PM3_strong). Probands from PMID: 25373348 and 34267460 meet criteria for PP4_strong including mucocutaneous bleeding, impaired aggregation with all agonists except ristocetin, and reduced surface expression of alphaIIbbeta3 measured by flow cytometry. It is predicted damaging by in-silico tools, with a REVEL score of 0.871. In summary, there is evidence to classify the Asp396Asn variant as Pathogenic for GT. GT-specific criteria applied: PM3_strong, PM2_Supporting, PP3, PP4_Strong.

Labcorp Genetics (formerly Invitae), Labcorp
Classification: Likely pathogenic for Glanzmann thrombasthenia. Last evaluated: 2025-09-20. Review status: criteria provided, single submitter. Criteria: Invitae Variant Classification Sherloc (09022015). Collection method: clinical testing. Allele origin: germline. Not counted in ClinVar's aggregate classification.
Comment: This sequence change replaces aspartic acid, which is acidic and polar, with asparagine, which is neutral and polar, at codon 396 of the ITGA2B protein (p.Asp396Asn). This variant is present in population databases (no rsID available, gnomAD 0.007%). This missense change has been observed in individual(s) with autosomal recessive Glanzmann thrombasthenia (PMID: 34267460). In at least one individual the data is consistent with being in trans (on the opposite chromosome) from a pathogenic variant. This variant is also known as D365N. ClinVar contains an entry for this variant (Variation ID: 627218). Invitae Evidence Modeling of protein sequence and biophysical properties (such as structural, functional, and spatial information, amino acid conservation, physicochemical variation, residue mobility, and thermodynamic stability) indicates that this missense variant is expected to disrupt ITGA2B protein function with a positive predictive value of 95%. In summary, the currently available evidence indicates that the variant is pathogenic, but additional data are needed to prove that conclusively. Therefore, this variant has been classified as Likely Pathogenic.

NIHR Bioresource Rare Diseases, University of Cambridge
Classification: Likely pathogenic for Glanzmann thrombasthenia 1. Last evaluated: 2019-02-01. Review status: criteria provided, single submitter. Criteria: ACMG Guidelines, 2015. Collection method: research. Allele origin: unknown. Affected: yes. Observed: 1 compound heterozygote. Study: ThromboGenomics. Not counted in ClinVar's aggregate classification.

Literature cited by the submitters: PubMed 34267460 (cited by Labcorp Genetics (formerly Invitae), Labcorp); PubMed 31064749 (cited by NIHR Bioresource Rare Diseases, University of Cambridge).